The following is an entry in ClinVar:

ClinVar aggregate classification (germline): Uncertain significance. Review status: criteria provided, multiple submitters, no conflicts (2 of 4 stars). 2 submissions from 2 submitters: Uncertain significance (2). Last evaluated 2025-06-22.

Conditions:
Hereditary nonpolyposis colorectal neoplasms. Identifiers: MedGen C0009405, MeSH D003123.
Hereditary cancer-predisposing syndrome. Also called: Neoplastic Syndromes, Hereditary; Tumor predisposition; Hereditary Cancer Syndrome; Hereditary neoplastic syndrome. Identifiers: Orphanet 140162, MedGen C0027672, MeSH D009386, MONDO:0015356.

Allele frequency attached by ClinVar (database versions not stated): gnomAD exomes below 0.00001; TOPMed below 0.00001; gnomAD 0.00001.

Submissions (2):

Ambry Genetics
Classification: Uncertain significance for Hereditary cancer-predisposing syndrome. Last evaluated: 2025-06-22. Review status: criteria provided, single submitter. Criteria: Ambry Variant Classification Scheme 2023. Collection method: clinical testing. Allele origin: germline.
Comment: The p.C303Y variant (also known as c.908G>A), located in coding exon 9 of the PMS2 gene, results from a G to A substitution at nucleotide position 908. The cysteine at codon 303 is replaced by tyrosine, an amino acid with highly dissimilar properties. This amino acid position is poorly conserved in available vertebrate species. In addition, the in silico prediction for this alteration is inconclusive. Since supporting evidence is limited at this time, the clinical significance of this alteration remains unclear.

Labcorp Genetics (formerly Invitae), Labcorp
Classification: Uncertain significance for Hereditary nonpolyposis colorectal neoplasms. Last evaluated: 2023-06-14. Review status: criteria provided, single submitter. Criteria: Invitae Variant Classification Sherloc (09022015). Collection method: clinical testing. Allele origin: germline.
Comment: In summary, the available evidence is currently insufficient to determine the role of this variant in disease. Therefore, it has been classified as a Variant of Uncertain Significance. Advanced modeling of protein sequence and biophysical properties (such as structural, functional, and spatial information, amino acid conservation, physicochemical variation, residue mobility, and thermodynamic stability) performed at Invitae indicates that this missense variant is not expected to disrupt PMS2 protein function. ClinVar contains an entry for this variant (Variation ID: 651261). This variant has not been reported in the literature in individuals affected with PMS2-related conditions. This variant is not present in population databases (gnomAD no frequency). This sequence change replaces cysteine, which is neutral and slightly polar, with tyrosine, which is neutral and polar, at codon 303 of the PMS2 protein (p.Cys303Tyr).

NM_000535.7(PMS2):c.908G>A (p.Cys303Tyr)

Gene: PMS2 (PMS1 homolog 2, mismatch repair system component; minus strand). Cytogenetic location: 7p22.1.
Variant type: single nucleotide variant.
Coding change: c.908G>A on transcript NM_000535.7 (MANE Select); coding-DNA position 908, G replaced by A.
Protein change: p.Cys303Tyr; replaces cysteine 303 with tyrosine.
Molecular consequence: missense variant. On other transcripts: 5 prime UTR variant (2), non-coding transcript variant (1).
Genome position (GRCh38, 1-based): chr7:5,992,053, C>T on the plus strand (G>A on the coding strand, the complement: PMS2 is on the minus strand). VCF-style: chr7-5992053-C-T. GRCh37 (hg19) VCF-style: chr7-6031684-C-T.
Other names: c.503G>A, p.Cys168Tyr (NM_001322003.2, NM_001322004.2, NM_001322005.2 and 2 more transcripts); c.908G>A, p.Cys303Tyr (NM_001322006.2, NM_001322014.2); c.590G>A, p.Cys197Tyr (NM_001322007.2, NM_001322008.2); c.-26G>A (NM_001322011.2, NM_001322012.2); c.335G>A, p.Cys112Tyr (NM_001322013.2); c.599G>A, p.Cys200Tyr (NM_001322015.2); short protein forms C112Y, C200Y, C303Y, C197Y, C168Y.
Identifiers: ClinVar variation 651261 (VCV000651261.12), dbSNP rs1562652063, ClinGen allele CA366743217.